The following is an entry in ClinVar:

ClinVar aggregate classification (germline): Uncertain significance (1 of 4 stars; one submission).

Conditions:
Hereditary cancer-predisposing syndrome. Also called: Neoplastic Syndromes, Hereditary; Tumor predisposition; Hereditary neoplastic syndrome; Hereditary Cancer Syndrome. Identifiers: Orphanet 140162, MedGen C0027672, MeSH D009386, MONDO:0015356.

Allele frequency attached by ClinVar (database versions not stated): gnomAD exomes 0.00001.
gnomAD v4.1: 8 of 1,613,642 alleles (0.0005%); highest among the groups gnomAD compares: East Asian, 0.0022%; no homozygotes.

Submission:

Ambry Genetics
Classification: Uncertain significance for Hereditary cancer-predisposing syndrome. Last evaluated: 2018-09-25. Review status: criteria provided, single submitter. Criteria: Ambry Variant Classification Scheme 2023. Collection method: clinical testing. Allele origin: germline.
Comment: The p.M266V variant (also known as c.796A>G), located in coding exon 6 of the RAD50 gene, results from an A to G substitution at nucleotide position 796. The methionine at codon 266 is replaced by valine, an amino acid with highly similar properties. This amino acid position is highly conserved in available vertebrate species. In addition, this alteration is predicted to be tolerated by in silico analysis. Since supporting evidence is limited at this time, the clinical significance of this alteration remains unclear.

NM_005732.4(RAD50):c.796A>G (p.Met266Val)

Gene: RAD50 (RAD50 double strand break repair protein; plus strand). Cytogenetic location: 5q31.1.
Variant type: single nucleotide variant.
Coding change: c.796A>G on transcript NM_005732.4 (MANE Select); coding-DNA position 796, A replaced by G.
Protein change: p.Met266Val; replaces methionine 266 with valine.
Molecular consequence: missense variant.
Genome position (GRCh38, 1-based): chr5:132,587,601, A>G. VCF-style: chr5-132587601-A-G. GRCh37 (hg19) VCF-style: chr5-131923293-A-G.
Other names: short protein forms M266V.
Identifiers: ClinVar variation 827366 (VCV000827366.4), dbSNP rs1554098162, ClinGen allele CA360940128.
Genomic context (GRCh38, chr5:132,587,601, plus strand): 5'-GTAATGTTTCTTTATTTTCAGAATCGTCTAAAAGAAATTGAACATAATCTCTCTAAAATA[A>G]TGAAACTTGACAATGAAATTAAAGCCTTGGATAGCCGAAAGAAGCAAATGGAGAAAGATA-3'
Protein context (NP_005723.2, residues 256-276): KEIEHNLSKI[Met266Val]KLDNEIKALD